The following is an entry in ClinVar:

NM_001127221.2(CACNA1A):c.5587C>G (p.Leu1863Val)

Gene: CACNA1A (calcium voltage-gated channel subunit alpha1 A; minus strand). Cytogenetic location: 19p13.13.
Variant type: single nucleotide variant.
Coding change: c.5587C>G on transcript NM_001127221.2 (MANE Plus Clinical); coding-DNA position 5587, C replaced by G.
Protein change: p.Leu1863Val; replaces leucine 1863 with valine.
Molecular consequence: missense variant. On other transcripts: intron variant (4).
Genome position (GRCh38, 1-based): chr19:13,228,740, G>C on the plus strand (C>G on the coding strand, the complement: CACNA1A is on the minus strand). VCF-style: chr19-13228740-G-C. GRCh37 (hg19) VCF-style: chr19-13339554-G-C.
Other names: c.5529-1213C>G (NM_001127222.2); c.5538-1213C>G (NM_001174080.2); c.5547-1213C>G (NM_000068.4, NM_023035.3); short protein forms L1863V.
Identifiers: ClinVar variation 1306540 (VCV001306540.3), dbSNP rs1186831509, ClinGen allele CA404331499.

ClinVar aggregate classification (germline): Uncertain significance (1 of 4 stars; one submission).

Allele frequency attached by ClinVar (database versions not stated): gnomAD 0.00001; TOPMed 0.00001.
gnomAD v4.1: 2 of 1,602,634 alleles (0.00012%); highest among the groups gnomAD compares: Non-Finnish European, 0.00017%; no homozygotes.

Submission:

GeneDx
Classification: Uncertain significance. Last evaluated: 2024-08-25. Review status: criteria provided, single submitter. Criteria: GeneDx Variant Classification Process June 2021. Collection method: clinical testing. Allele origin: germline. Affected: yes.
Comment: Reported in a patient with epilepsy who also harbored additional variants in genes related to the phenotype (PMID: 37046053); Not observed at significant frequency in large population cohorts (gnomAD); In silico analysis supports that this missense variant has a deleterious effect on protein structure/function; This variant is associated with the following publications: (PMID: 37046053)